The following is an entry in ClinVar:

ClinVar aggregate classification (germline): Conflicting classifications of pathogenicity. Review status: criteria provided, conflicting classifications (1 of 4 stars). 2 submissions from 2 submitters: Uncertain significance (1); Likely benign (1). Last evaluated 2025-03-31.

Conditions:
Gorlin syndrome. Also called: Nevoid Basal Cell Carcinoma Syndrome; Basal cell nevus syndrome. Identifiers: Orphanet 377, MedGen C0004779, MONDO:0007187.
Medulloblastoma (MDB). Also called: Medulloblastoma, somatic; MEDULLOBLASTOMA PREDISPOSITION SYNDROME. Identifiers: Orphanet 616, MedGen C0025149, MeSH D008527, MONDO:0007959, OMIM 155255, HP:0002885.

Allele frequency attached by ClinVar (database versions not stated): TOPMed 0.00001; gnomAD exomes 0.00002.
gnomAD v4.1: 14 of 1,614,164 alleles (0.00087%); highest among the groups gnomAD compares: Non-Finnish European, 0.0012%; no homozygotes.

Submissions (2):

Quest Diagnostics Nichols Institute San Juan Capistrano
Classification: Uncertain significance. Last evaluated: 2025-03-31. Review status: criteria provided, single submitter. Criteria: Quest Diagnostics criteria. Collection method: clinical testing. Allele origin: unknown.
Comment: The SUFU c.1023-6T>C variant has not been reported in individuals with SUFU-related conditions in the published literature. It also has not been reported in large, multi-ethnic general populations (Genome Aggregation Database). Analysis of this variant using software algorithms for the prediction of the effect of nucleotide changes on splicing yielded predictions that this variant does not affect SUFU mRNA splicing. Based on the available information, we are unable to determine the clinical significance of this variant.

Labcorp Genetics (formerly Invitae), Labcorp
Classification: Likely benign for Gorlin syndrome; Medulloblastoma. Last evaluated: 2024-10-07. Review status: criteria provided, single submitter. Criteria: Invitae Variant Classification Sherloc (09022015). Collection method: clinical testing. Allele origin: germline.

NM_016169.4(SUFU):c.1023-6T>C

Gene: SUFU (SUFU negative regulator of hedgehog signaling; plus strand). Cytogenetic location: 10q24.32.
Variant type: single nucleotide variant.
Coding change: c.1023-6T>C on transcript NM_016169.4 (MANE Select); 6 bases into the intron before coding-DNA position 1023, T replaced by C.
Molecular consequence: intron variant.
Genome position (GRCh38, 1-based): chr10:102,615,262, T>C. VCF-style: chr10-102615262-T-C. GRCh37 (hg19) VCF-style: chr10-104375019-T-C.
Other names: c.1023-6T>C (NM_001178133.2, NM_016169.3).
Identifiers: ClinVar variation 1086747 (VCV001086747.11), dbSNP rs2063672832, ClinGen allele CA1932751371.